The following is an entry in ClinVar:

ClinVar aggregate classification (germline): Uncertain significance (1 of 4 stars; one submission).

Submission:

Ambry Genetics
Classification: Uncertain significance. Last evaluated: 2021-07-24. Review status: criteria provided, single submitter. Criteria: Ambry Variant Classification Scheme 2023. Collection method: clinical testing. Allele origin: germline.
Comment: The p.R40H variant (also known as c.119G>A), located in coding exon 1 of the TERF2IP gene, results from a G to A substitution at nucleotide position 119. The arginine at codon 40 is replaced by histidine, an amino acid with highly similar properties. This amino acid position is conserved. In addition, this alteration is predicted to be tolerated by in silico analysis. Since supporting evidence is limited at this time, the clinical significance of this alteration remains unclear.

NM_018975.4(TERF2IP):c.119G>A (p.Arg40His)

Gene: TERF2IP (TERF2 interacting protein; plus strand). Cytogenetic location: 16q23.1.
Variant type: single nucleotide variant.
Coding change: c.119G>A on transcript NM_018975.4 (MANE Select); coding-DNA position 119, G replaced by A.
Protein change: p.Arg40His; replaces arginine 40 with histidine.
Molecular consequence: missense variant. On other transcripts: non-coding transcript variant (1).
Genome position (GRCh38, 1-based): chr16:75,648,001, G>A. VCF-style: chr16-75648001-G-A. GRCh37 (hg19) VCF-style: chr16-75681899-G-A.
Other names: short protein forms R40H.
Identifiers: ClinVar variation 1746887 (VCV001746887.2), dbSNP rs2507072517, ClinGen allele CA396817268.
Genomic context (GRCh38, chr16:75,648,001, plus strand): 5'-TGTTCGTGAGGGACGACGGCAGCTCCATGTCCTTCTACGTGCGGCCCAGCCCGGCCAAGC[G>A]TCGGCTGTCGACGCTCATCCTGCACGGCGGCGGCACCGTGTGCCGAGTGCAGGAGCCCGG-3'
Protein context (NP_061848.2, residues 30-50): SFYVRPSPAK[Arg40His]RLSTLILHGG